The following is an entry in ClinVar:

NM_000545.8(HNF1A):c.142del (p.Glu48fs)

Gene: HNF1A (HNF1 homeobox A; plus strand). Cytogenetic location: 12q24.31.
Variant type: Deletion.
Coding change: c.142del on transcript NM_000545.8 (MANE Select); coding-DNA position 142, one base deleted (G; older notation c.142delG).
Protein change: p.Glu48fs; shifts the reading frame from glutamic acid 48.
Molecular consequence: frameshift variant.
Genome position (GRCh38, 1-based): chr12:120,978,910, G deleted; the last of 5 consecutive G bases (chr12:120,978,906-120,978,910); deleting any one gives the same sequence. VCF-style (leftmost placement, unchanged base first): chr12-120978905-AG-A. GRCh37 (hg19) VCF-style: chr12-121416708-AG-A.
Other names: NM_000545.8(HNF1A):c.142del; p.Glu48fs; c.142del, p.Glu48fs (NM_001306179.2); short protein forms E48fs.
Identifiers: ClinVar variation 14938 (VCV000014938.6), dbSNP rs1566092470, ClinGen allele CA913190364.

ClinVar aggregate classification (germline): Pathogenic. Review status: reviewed by expert panel (3 of 4 stars). 3 submissions from 3 submitters: Pathogenic (1). 2 of the submissions do not count toward it. Last evaluated 2022-04-02.

Conditions:
Monogenic diabetes. Identifiers: Orphanet 183625, MedGen C3888631, MONDO:0015967.
Maturity-onset diabetes of the young (MODY). Also called: Maturity onset diabetes mellitus in young. Identifiers: Orphanet 552, MedGen C0342276, MONDO:0018911, HP:0004904.
Type 1 diabetes mellitus 20 (T1D20). Also called: Diabetes mellitus, insulin-dependent, 20. Identifiers: MedGen C2675866, MONDO:0012919, OMIM 612520.

Submissions (3):

ClinGen Monogenic Diabetes Variant Curation Expert Panel
Classification: Pathogenic for Monogenic diabetes. Last evaluated: 2022-04-02. Review status: reviewed by expert panel. Criteria: ClinGen Diabetes ACMG Specifications v1 1. Collection method: curation. Allele origin: germline. Inheritance: Autosomal dominant inheritance.
Comment: The c.142delG variant in the HNF1 homeobox A gene, HNF1A, causes a frameshift in the protein at codon 48 (NM_000545.8), adding 107 novel amino acids before encountering a stop codon (p.(Glu48SerfsTer107)). This variant, located in biologically-relevant exon 1 of 10, is predicted to lead to nonsense mediated decay in a gene in which loss-of-function is an established disease mechanism (PVS1; PMID: 23348805) and is absent from gnomAD v2.1.1 (PM2_Supporting). Additionally, this variant was identified in an individual with a clinical history highly specific for HNF1A-MODY (PP4; PMID: 29927023). In summary, c.142delG meets the criteria to be classified as pathogenic for monogenic diabetes. ACMG/AMP criteria applied, as specified by the ClinGen MDEP (specification version 1.1, approved 9/30/21): PVS1, PM2_Supporting, PP4

Clinical Genomics, Uppaluri K&H Personalized Medicine Clinic
Classification: Likely pathogenic for Maturity-onset diabetes of the young. Review status: criteria provided, single submitter. Criteria: K & H Uppaluri Personalized Medicine Clinic Variant Classification & Assertion Criteria_Updated V.1. Collection method: research. Allele origin: unknown. Inheritance: Autosomal dominant inheritance. Not counted in ClinVar's aggregate classification.
Comment: Mutations in HNF1A gene can predispose to MODY3. It is associated with both micro and macrovascular complications of diabetes, especially cardiovascular complications. Associated with glucosuria. May respond well to sulfonylureas. However, more evidence is required to confer the association of this particular variant rs1566092470 with MODY3.

OMIM
Classification: Pathogenic for TYPE 1 DIABETES MELLITUS 20. Last evaluated: 2001-10-01. Review status: no assertion criteria provided. Collection method: literature only. Allele origin: germline. Not counted in ClinVar's aggregate classification.

Literature cited by the submitters: PubMed 31517624 (cited by Clinical Genomics, Uppaluri K&H Personalized Medicine Clinic); PubMed 32395877 (cited by Clinical Genomics, Uppaluri K&H Personalized Medicine Clinic); PubMed 35328643 (cited by Clinical Genomics, Uppaluri K&H Personalized Medicine Clinic); PubMed 35673428 (cited by Clinical Genomics, Uppaluri K&H Personalized Medicine Clinic); PubMed 11668618 (cited by OMIM).